The following is an entry in ClinVar:

NM_020964.3(EPG5):c.6232C>T (p.Arg2078Ter)

Gene: EPG5 (ectopic P-granules 5 autophagy tethering factor; minus strand). Cytogenetic location: 18q12.3.
Variant type: single nucleotide variant.
Coding change: c.6232C>T on transcript NM_020964.3 (MANE Select); coding-DNA position 6232, C replaced by T.
Protein change: p.Arg2078Ter; replaces arginine 2078 with a stop codon.
Molecular consequence: nonsense.
Genome position (GRCh38, 1-based): chr18:45,867,742, G>A on the plus strand (C>T on the coding strand, the complement: EPG5 is on the minus strand). VCF-style: chr18-45867742-G-A. GRCh37 (hg19) VCF-style: chr18-43447707-G-A.
Other names: c.6232C>T, p.Arg2078Ter (LRG_1234t1); short protein forms R2078*.
Identifiers: ClinVar variation 39984 (VCV000039984.13), dbSNP rs587776942, ClinGen allele CA214402.
Genomic context (GRCh38, chr18:45,867,742, plus strand): 5'-CCCAGTTGACTTCACAGAGTACAGACCCCAAAAATAAGAAACAGCTCTTGGGGCTTCCTC[G>A]TTCCACCTAAAAGAAAATGAATTAAAATCATTCTGTTGCCTTGTGCTATCTATGTATCTG-3'

ClinVar aggregate classification (germline): Pathogenic. Review status: criteria provided, multiple submitters, no conflicts (2 of 4 stars). 7 submissions from 7 submitters: Pathogenic (6). 1 of the submissions does not count toward it. Last evaluated 2025-12-09.

Conditions:
EPG5-related disorder. Also called: EPG5-related condition. Identifiers: MedGen CN381528.
Vici syndrome (VICIS). Identifiers: Orphanet 1493, MedGen C1855772, MONDO:0009452, OMIM 242840.

Allele frequency attached by ClinVar (database versions not stated): ExAC 0.00001; gnomAD exomes 0.00001 and 0.00002.
gnomAD v4.1: 20 of 1,594,572 alleles (0.0013%); highest among the groups gnomAD compares: East Asian, 0.0022%; no homozygotes.

Submissions (7):

PreventionGenetics, part of Exact Sciences
Classification: Pathogenic for EPG5-related condition. Last evaluated: 2025-12-09. Review status: criteria provided, single submitter. Criteria: ACMG Guidelines, 2015. Collection method: clinical testing. Allele origin: germline.
Comment: The EPG5 c.6232C>T variant is predicted to result in premature protein termination (p.Arg2078*). This variant has been reported in the compound heterozygous state in two sibling with Vici syndrome (Cullup et al. 2012. PubMed ID: 23222957). This variant is reported in 0.0037% of alleles in individuals of European (Non-Finnish) descent in gnomAD. Nonsense variants in EPG5 are expected to be pathogenic. This variant is interpreted as pathogenic.

3billion
Classification: Pathogenic for Vici syndrome. Last evaluated: 2024-12-09. Review status: criteria provided, single submitter. Criteria: ACMG Guidelines, 2015. Collection method: clinical testing. Allele origin: germline. Affected: yes.
Comment: The variant is observed at an extremely low frequency in the gnomAD v4.1.0 dataset (total allele frequency: 0.001%). Predicted Consequence/Location: Stop-gained (nonsense): predicted to result in a loss or disruption of normal protein function through nonsense-mediated decay (NMD) or protein truncation. Multiple pathogenic variants are reported downstream of the variant. The variant has been reported at least twice as pathogenic with clinical assertions and evidence for the classification (ClinVar ID: VCV000039984 /PMID: 23222957). Therefore, this variant is classified as Pathogenic according to the recommendation of ACMG/AMP guideline.

Labcorp Genetics (formerly Invitae), Labcorp
Classification: Pathogenic for Vici syndrome. Last evaluated: 2024-08-05. Review status: criteria provided, single submitter. Criteria: Invitae Variant Classification Sherloc (09022015). Collection method: clinical testing. Allele origin: germline.
Comment: This sequence change creates a premature translational stop signal (p.Arg2078*) in the EPG5 gene. It is expected to result in an absent or disrupted protein product. Loss-of-function variants in EPG5 are known to be pathogenic (PMID: 23222957, 23674064). This variant is present in population databases (rs587776942, gnomAD 0.003%). This premature translational stop signal has been observed in individual(s) with Vici syndrome (PMID: 23222957). ClinVar contains an entry for this variant (Variation ID: 39984). For these reasons, this variant has been classified as Pathogenic.

GeneDx
Classification: Pathogenic. Last evaluated: 2023-09-15. Review status: criteria provided, single submitter. Criteria: GeneDx Variant Classification Process June 2021. Collection method: clinical testing. Allele origin: germline. Affected: yes.
Comment: Not observed at significant frequency in large population cohorts (gnomAD); Nonsense variant predicted to result in protein truncation or nonsense mediated decay in a gene for which loss of function is a known mechanism of disease; This variant is associated with the following publications: (PMID: 28333917, 26917586, 23222957)

SIB Swiss Institute of Bioinformatics
Classification: Pathogenic for Vici syndrome. Last evaluated: 2019-01-17. Review status: criteria provided, single submitter. Criteria: ACMG Guidelines, 2015. Collection method: curation. Allele origin: unknown.
Comment: This variant is interpreted as a Pathogenic for Vici syndrome, autosomal recessive. The following ACMG Tag(s) were applied: PM2 => Absent from controls (or at extremely low frequency if recessive) in Exome Sequencing Project, 1000 Genomes Project, or Exome Aggregation Consortium. PVS1 => Predicted nullvariant in a gene where LOF is a known mechanism of disease. PM3 => For recessive disorders, detected in trans with a pathogenic variant (PMID:23222957).

ClinGen:CA214402

Genetic Services Laboratory, University of Chicago
Classification: Pathogenic for Vici syndrome. Last evaluated: 2015-02-23. Review status: criteria provided, single submitter. Criteria: ACMG Guidelines, 2015. Collection method: clinical testing. Allele origin: germline. Affected: yes.

OMIM
Classification: Pathogenic for VICI SYNDROME. Last evaluated: 2013-01-01. Review status: no assertion criteria provided. Collection method: literature only. Allele origin: germline. Not counted in ClinVar's aggregate classification.

Literature cited by the submitters: PubMed 23222957 (cited by 4 submitters); PubMed 23674064 (cited by Labcorp Genetics (formerly Invitae), Labcorp).